The following is an entry in ClinVar:

NM_003480.4(MFAP5):c.395A>G (p.His132Arg)

Gene: MFAP5 (microfibril associated protein 5; minus strand). Cytogenetic location: 12p13.31.
Variant type: single nucleotide variant.
Coding change: c.395A>G on transcript NM_003480.4 (MANE Select); coding-DNA position 395, A replaced by G.
Protein change: p.His132Arg; replaces histidine 132 with arginine.
Molecular consequence: missense variant. On other transcripts: non-coding transcript variant (2), intron variant (1).
Genome position (GRCh38, 1-based): chr12:8,649,515, T>C on the plus strand (A>G on the coding strand, the complement: MFAP5 is on the minus strand). VCF-style: chr12-8649515-T-C. GRCh37 (hg19) VCF-style: chr12-8802111-T-C.
Other names: c.365A>G, p.His122Arg (NM_001297709.2); c.329A>G, p.His110Arg (NM_001297710.2); c.320A>G, p.His107Arg (NM_001297711.2); c.218-1312A>G (NM_001297712.2); short protein forms H110R, H107R, H122R, H132R.
Identifiers: ClinVar variation 2563101 (VCV002563101.2), dbSNP rs374890052, ClinGen allele CA384038852.

ClinVar aggregate classification (germline): Uncertain significance (1 of 4 stars; one submission).

Conditions:
Cardiovascular phenotype. Identifiers: MedGen CN230736.

gnomAD v4.1: 3 of 1,614,010 alleles (0.00019%); highest among the groups gnomAD compares: Non-Finnish European, 0.00025%; no homozygotes.

Submission:

Ambry Genetics
Classification: Uncertain significance for Cardiovascular phenotype. Last evaluated: 2023-06-14. Review status: criteria provided, single submitter. Criteria: Ambry Variant Classification Scheme 2023. Collection method: clinical testing. Allele origin: germline.
Comment: The p.H132R variant (also known as c.395A>G), located in coding exon 8 of the MFAP5 gene, results from an A to G substitution at nucleotide position 395. The histidine at codon 132 is replaced by arginine, an amino acid with highly similar properties. This amino acid position is conserved. In addition, the in silico prediction for this alteration is inconclusive. Since supporting evidence is limited at this time, the clinical significance of this alteration remains unclear.